The following is an entry in ClinVar:

ClinVar aggregate classification (germline): Uncertain significance (1 of 4 stars; one submission).

Conditions:
Congenital myopathy with internal nuclei and atypical cores. Also called: Myopathy, centronuclear, 4. Identifiers: Orphanet 319160, MedGen C4707232, MONDO:0013890, OMIM 614807.

Submission:

Labcorp Genetics (formerly Invitae), Labcorp
Classification: Uncertain significance for Congenital myopathy with internal nuclei and atypical cores. Last evaluated: 2022-05-06. Review status: criteria provided, single submitter. Criteria: Invitae Variant Classification Sherloc (09022015). Collection method: clinical testing. Allele origin: germline.
Comment: A copy number gain of the genomic region encompassing the full coding sequence of the CCDC78 gene has been identified. The boundaries of this event are unknown as they extend beyond the assayed region for this gene and therefore may encompass additional genes. As the precise location of this event is unknown, it may be in tandem or it may be located elsewhere in the genome. This variant has not been reported in the literature in individuals affected with CCDC78-related conditions. In summary, the available evidence is currently insufficient to determine the role of this variant in disease. Therefore, it has been classified as a Variant of Uncertain Significance.

NC_000016.9:g.(?_772770)_(776367_?)dup

Gene: CCDC78 (coiled-coil domain containing 78; minus strand). Cytogenetic location: 16p13.3.
Variant type: Duplication.
Identifiers: ClinVar variation 2423504 (VCV002423504.3).